The following is an entry in ClinVar:

ClinVar aggregate classification (germline): Pathogenic (1 of 4 stars; one submission).

Submission:

Labcorp Genetics (formerly Invitae), Labcorp
Classification: Pathogenic. Last evaluated: 2023-01-24. Review status: criteria provided, single submitter. Criteria: Invitae Variant Classification Sherloc (09022015). Collection method: clinical testing. Allele origin: germline.
Comment: For these reasons, this variant has been classified as Pathogenic. This variant has not been reported in the literature in individuals affected with OCA2-related conditions. This variant is not present in population databases (gnomAD no frequency). This sequence change creates a premature translational stop signal (p.Leu436Profs*17) in the OCA2 gene. It is expected to result in an absent or disrupted protein product. Loss-of-function variants in OCA2 are known to be pathogenic (PMID: 19865097, 21541274).

Literature cited by the submitters: PubMed 19865097; PubMed 21541274.

NM_000275.3(OCA2):c.1307del (p.Leu436fs)

Gene: OCA2 (OCA2 melanosomal transmembrane protein; minus strand). Cytogenetic location: 15q13.1.
Variant type: Deletion.
Coding change: c.1307del on transcript NM_000275.3 (MANE Select); coding-DNA position 1307, one base deleted (T; older notation c.1307delT).
Protein change: p.Leu436fs; shifts the reading frame from leucine 436.
Molecular consequence: frameshift variant.
Genome position (GRCh38, 1-based): chr15:27,985,121, A deleted on the plus strand (T on the coding strand, the reverse complement: OCA2 is on the minus strand). VCF-style (leftmost placement, unchanged base first): chr15-27985120-GA-G. GRCh37 (hg19) VCF-style: chr15-28230266-GA-G.
Other names: c.1235del, p.Leu412fs (NM_001300984.2); short protein forms L436fs, L412fs.
Identifiers: ClinVar variation 2831441 (VCV002831441.3), dbSNP rs2548345341, ClinGen allele CA2739277914.